The following is an entry in ClinVar:

NM_020806.5(GPHN):c.865C>T (p.Leu289Phe)

Gene: GPHN (gephyrin; plus strand). Cytogenetic location: 14q23.3.
Variant type: single nucleotide variant.
Coding change: c.865C>T on transcript NM_020806.5 (MANE Select); coding-DNA position 865, C replaced by T.
Protein change: p.Leu289Phe; replaces leucine 289 with phenylalanine.
Molecular consequence: missense variant.
Genome position (GRCh38, 1-based): chr14:66,965,227, C>T. VCF-style: chr14-66965227-C-T. GRCh37 (hg19) VCF-style: chr14-67431944-C-T.
Other names: c.766C>T, p.Leu256Phe (NM_001024218.2, NM_001377515.1, NM_001377516.1 and 2 more transcripts); c.805C>T, p.Leu269Phe (NM_001377514.1, NM_001377519.1); short protein forms L256F, L269F, L289F.
Identifiers: ClinVar variation 2174401 (VCV002174401.4), dbSNP rs1425805863, ClinGen allele CA390257445.
Genomic context (GRCh38, chr14:66,965,227, plus strand): 5'-ACCATAGTTGTTCCCCTTGTTCAGATTCCAGACTCCATCATTTCTCGTGGTGTTCAGGTG[C>T]TCCCACGAGACACAGCCTCCCTCAGCACTACTCCTTCAGAATCGCCTCGTGCTCAGGCTA-3'
Protein context (NP_065857.1, residues 279-299): DSIISRGVQV[Leu289Phe]PRDTASLSTT

ClinVar aggregate classification (germline): Uncertain significance (1 of 4 stars; one submission).

Conditions:
Sulfite oxidase deficiency due to molybdenum cofactor deficiency type C. Also called: Molybdenum cofactor deficiency, complementation group C; Molybdenum cofactor deficiency C. Identifiers: Orphanet 308400, Orphanet 833, MedGen C1854990, MONDO:0014212, OMIM 615501.

Allele frequency attached by ClinVar (database versions not stated): TOPMed 0.00001.
gnomAD v4.1: 23 of 1,608,870 alleles (0.0014%); highest among the groups gnomAD compares: East Asian, 0.0045%; no homozygotes.

Submission:

Labcorp Genetics (formerly Invitae), Labcorp
Classification: Uncertain significance for Sulfite oxidase deficiency due to molybdenum cofactor deficiency type C. Last evaluated: 2024-10-22. Review status: criteria provided, single submitter. Criteria: Invitae Variant Classification Sherloc (09022015). Collection method: clinical testing. Allele origin: germline.
Comment: This sequence change replaces leucine, which is neutral and non-polar, with phenylalanine, which is neutral and non-polar, at codon 289 of the GPHN protein (p.Leu289Phe). This variant is present in population databases (no rsID available, gnomAD 0.006%). This variant has not been reported in the literature in individuals affected with GPHN-related conditions. ClinVar contains an entry for this variant (Variation ID: 2174401). Invitae Evidence Modeling of protein sequence and biophysical properties (such as structural, functional, and spatial information, amino acid conservation, physicochemical variation, residue mobility, and thermodynamic stability) indicates that this missense variant is not expected to disrupt GPHN protein function with a negative predictive value of 80%. In summary, the available evidence is currently insufficient to determine the role of this variant in disease. Therefore, it has been classified as a Variant of Uncertain Significance.